The following is an entry in ClinVar:

NM_001252024.2(TRPM1):c.4471G>C (p.Glu1491Gln)

Gene: TRPM1 (transient receptor potential cation channel subfamily M member 1; minus strand). Cytogenetic location: 15q13.3.
Variant type: single nucleotide variant.
Coding change: c.4471G>C on transcript NM_001252024.2 (MANE Select); coding-DNA position 4471, G replaced by C.
Protein change: p.Glu1491Gln; replaces glutamic acid 1491 with glutamine.
Molecular consequence: missense variant.
Genome position (GRCh38, 1-based): chr15:31,002,229, C>G on the plus strand (G>C on the coding strand, the complement: TRPM1 is on the minus strand). VCF-style: chr15-31002229-C-G. GRCh37 (hg19) VCF-style: chr15-31294432-C-G.
Other names: c.4405G>C (NM_002420.4); c.4522G>C, p.Glu1508Gln (NM_001252020.2); c.4405G>C, p.Glu1469Gln (NM_002420.6); short protein forms E1491Q, E1508Q, E1469Q.
Identifiers: ClinVar variation 1481938 (VCV001481938.7), dbSNP rs1275047171, ClinGen allele CA391523690.
Genomic context (GRCh38, chr15:31,002,229, plus strand): 5'-CAATGTAAGGAATATCTGTGCTATGAGAGCGCGTGATCTTTTGAACTTGGCATTGCCATT[C>G]CGTCGTCAATTGCTGGTCCGTGATTGAACTGTACTCTACATCCTGGTTAACCCCACCGAC-3'
Protein context (NP_001238953.1, residues 1481-1501): SSITDQQLTT[Glu1491Gln]WQCQVQKITR

ClinVar aggregate classification (germline): Uncertain significance. Review status: criteria provided, multiple submitters, no conflicts (2 of 4 stars). 2 submissions from 2 submitters: Uncertain significance (2). Last evaluated 2025-02-24.

Conditions:
Inborn genetic diseases. Identifiers: MedGen C0950123, MeSH D030342.

Allele frequency attached by ClinVar (database versions not stated): gnomAD 0.00001; gnomAD exomes below 0.00001; TOPMed below 0.00001.
gnomAD v4.1: 5 of 1,614,132 alleles (0.00031%); highest among the groups gnomAD compares: Admixed American, 0.0017%; no homozygotes.

Submissions (2):

Labcorp Genetics (formerly Invitae), Labcorp
Classification: Uncertain significance. Last evaluated: 2025-02-24. Review status: criteria provided, single submitter. Criteria: Invitae Variant Classification Sherloc (09022015). Collection method: clinical testing. Allele origin: germline.
Comment: This sequence change replaces glutamic acid, which is acidic and polar, with glutamine, which is neutral and polar, at codon 1469 of the TRPM1 protein (p.Glu1469Gln). This variant is present in population databases (no rsID available, gnomAD 0.003%). This variant has not been reported in the literature in individuals affected with TRPM1-related conditions. ClinVar contains an entry for this variant (Variation ID: 1481938). Invitae Evidence Modeling of protein sequence and biophysical properties (such as structural, functional, and spatial information, amino acid conservation, physicochemical variation, residue mobility, and thermodynamic stability) indicates that this missense variant is not expected to disrupt TRPM1 protein function with a negative predictive value of 95%. In summary, the available evidence is currently insufficient to determine the role of this variant in disease. Therefore, it has been classified as a Variant of Uncertain Significance.

Ambry Genetics
Classification: Uncertain significance for Inborn genetic diseases. Last evaluated: 2022-12-06. Review status: criteria provided, single submitter. Criteria: Ambry Variant Classification Scheme 2023. Collection method: clinical testing. Allele origin: germline.